The following is an entry in ClinVar:

NM_000441.2(SLC26A4):c.512T>G (p.Leu171Ter)

Gene: SLC26A4 (solute carrier family 26 member 4; plus strand). Cytogenetic location: 7q22.3.
Variant type: single nucleotide variant.
Coding change: c.512T>G on transcript NM_000441.2 (MANE Select); coding-DNA position 512, T replaced by G.
Protein change: p.Leu171Ter; replaces leucine 171 with a stop codon.
Molecular consequence: nonsense.
Genome position (GRCh38, 1-based): chr7:107,674,260, T>G. VCF-style: chr7-107674260-T-G. GRCh37 (hg19) VCF-style: chr7-107314705-T-G.
Other names: short protein forms L171*.
Identifiers: ClinVar variation 3601778 (VCV003601778.1).
Genomic context (GRCh38, chr7:107,674,260, plus strand): 5'-TTGTTCTGAGCATGGCCCCCGACGAACACTTTCTCGTATCCAGCAGCAATGGAACTGTAT[T>G]AAATACTACTATGATAGACACTGCAGCTAGAGATACAGCTAGAGTCCTGATTGCCAGTGC-3'

ClinVar aggregate classification (germline): Pathogenic (1 of 4 stars; one submission).

Conditions:
Autosomal recessive nonsyndromic hearing loss 4 (DFNB4). Also called: Deafness, autosomal recessive 4; FOXI1-Related Pendred Syndrome; KCNJ10-Related Pendred Syndrome; DEAFNESS, AUTOSOMAL RECESSIVE 4, WITH ENLARGED VESTIBULAR AQUEDUCT, DIGENIC; NEUROSENSORY NONSYNDROMIC RECESSIVE DEAFNESS 4; Nonsyndromic enlarged vestibular aqueduct (NSEVA). Identifiers: Orphanet 90636, MedGen C3538946, MONDO:0010933, OMIM 600791.

Submission:

Institute of Rare Diseases, West China Hospital, Sichuan University
Classification: Pathogenic for Autosomal recessive nonsyndromic hearing loss 4. Last evaluated: 2025-01-09. Review status: criteria provided, single submitter. Criteria: ClinGen HL ACMG Specifications v1. Collection method: research. Allele origin: germline. Affected: yes.
Comment: PVS1;PM3;PP1;PM2_Supporting